The following is an entry in ClinVar:

ClinVar aggregate classification (germline): Uncertain significance (1 of 4 stars; one submission).

Submission:

CeGaT Center for Human Genetics Tuebingen
Classification: Uncertain significance. Last evaluated: 2024-04-01. Review status: criteria provided, single submitter. Criteria: CeGaT Center For Human Genetics Tuebingen Variant Classification Criteria Version 2. Collection method: clinical testing. Allele origin: germline. Affected: yes. Observed: 1 variant allele.
Comment: COL5A2: PM2

NM_000393.5(COL5A2):c.442C>A (p.Pro148Thr)

Gene: COL5A2 (collagen type V alpha 2 chain; minus strand). Cytogenetic location: 2q32.2.
Variant type: single nucleotide variant.
Coding change: c.442C>A on transcript NM_000393.5 (MANE Select); coding-DNA position 442, C replaced by A.
Protein change: p.Pro148Thr; replaces proline 148 with threonine.
Molecular consequence: missense variant.
Genome position (GRCh38, 1-based): chr2:189,097,291, G>T on the plus strand (C>A on the coding strand, the complement: COL5A2 is on the minus strand). VCF-style: chr2-189097291-G-T. GRCh37 (hg19) VCF-style: chr2-189962017-G-T.
Other names: short protein forms P148T.
Identifiers: ClinVar variation 3234461 (VCV003234461.20), dbSNP rs759436406, ClinGen allele CA349862734.